The following is an entry in ClinVar:

NM_001134407.3(GRIN2A):c.3191C>T (p.Thr1064Met)

Gene: GRIN2A (glutamate ionotropic receptor NMDA type subunit 2A; minus strand). Cytogenetic location: 16p13.2.
Variant type: single nucleotide variant.
Coding change: c.3191C>T on transcript NM_001134407.3 (MANE Select); coding-DNA position 3191, C replaced by T.
Protein change: p.Thr1064Met; replaces threonine 1064 with methionine.
Molecular consequence: missense variant.
Genome position (GRCh38, 1-based): chr16:9,764,353, G>A on the plus strand (C>T on the coding strand, the complement: GRIN2A is on the minus strand). VCF-style: chr16-9764353-G-A. GRCh37 (hg19) VCF-style: chr16-9858210-G-A.
Other names: p.T1064M:ACG>ATG; c.3191C>T, p.Thr1064Met (NM_000833.5, NM_001134408.2); short protein forms T1064M.
Identifiers: ClinVar variation 205667 (VCV000205667.12), dbSNP rs756930722, ClinGen allele CA314966.
Genomic context (GRCh38, chr16:9,764,353, plus strand): 5'-TCCTTGGTTTTGTGGTTCTTACTGTTGTCAGGTTCCCTGTGGCACGTGGCCCGATTTGAC[G>A]TTTCTGAAATGTCAGAGTGGGCCATCTCTTCTGGAAGATACCTAGGGCTCTTTAGGGAGT-3'
Protein context (NP_001127879.1, residues 1054-1074): EEMAHSDISE[Thr1064Met]SNRATCHREP

ClinVar aggregate classification (germline): Conflicting classifications of pathogenicity. Review status: criteria provided, conflicting classifications (1 of 4 stars). 2 submissions from 2 submitters: Uncertain significance (1); Benign (1). Last evaluated 2023-10-03.

Conditions:
Landau-Kleffner syndrome (FESD). Also called: APHASIA, ACQUIRED, WITH EPILEPSY; EPILEPSY, FOCAL, WITH SPEECH DISORDER AND WITH OR WITHOUT MENTAL RETARDATION. Identifiers: Orphanet 1945, Orphanet 725, Orphanet 98818, MedGen C0282512, MONDO:0009509, OMIM 245570.

Allele frequency attached by ClinVar (database versions not stated): gnomAD exomes below 0.00001; ExAC 0.00001; gnomAD 0.00001; TOPMed 0.00001.
gnomAD v4.1: 20 of 1,613,952 alleles (0.0012%); highest among the groups gnomAD compares: South Asian, 0.0033%; no homozygotes.

Submissions (2):

Labcorp Genetics (formerly Invitae), Labcorp
Classification: Benign for Landau-Kleffner syndrome. Last evaluated: 2023-10-03. Review status: criteria provided, single submitter. Criteria: Invitae Variant Classification Sherloc (09022015). Collection method: clinical testing. Allele origin: germline.

GeneDx
Classification: Uncertain significance. Last evaluated: 2016-04-07. Review status: criteria provided, single submitter. Criteria: GeneDx Variant Classification (06012015). Collection method: clinical testing. Allele origin: germline. Affected: yes.
Comment: p.Thr1064Met (ACG>ATG): c.3191 C>T in exon 14 of the GRIN2A gene (NM_000833.3). The T1064M variant has not been published as a mutation, nor has it been reported as a benign polymorphism to our knowledge. It was not observed in approximately 6,500 individuals of European and African American ancestry in the NHLBI Exome Sequencing Project, indicating it is not a common benign variant in these populations. The T1064M variant is a non-conservative amino acid substitution, which is likely to impact secondary protein structure as these residues differ in polarity, charge, size and/or other properties. However, this substitution occurs at a position that is not conserved across species, and in silico analysis is inconsistent in its predictions as to whether or not the T1064M variant is damaging to the protein structure/function. Therefore, based on the currently available information, it is unclear whether this variant is a pathogenic mutation or a rare benign variant. The variant is found in INFANT-EPI panel(s).